The following is an entry in ClinVar:

ClinVar aggregate classification (germline): Pathogenic/Likely pathogenic. Review status: criteria provided, multiple submitters, no conflicts (2 of 4 stars). 2 submissions from 2 submitters: Pathogenic (1); Likely pathogenic (1). Last evaluated 2025-03-22.

Conditions:
Pontocerebellar hypoplasia type 6 (PCH6). Identifiers: Orphanet 166073, MedGen C1969084, MONDO:0012683, OMIM 611523.

Submissions (2):

Natera, Inc.
Classification: Likely pathogenic for Pontocerebellar hypoplasia, type 6. Last evaluated: 2025-03-22. Review status: criteria provided, single submitter. Criteria: Natera Variant Classification Schema (03/2026). Collection method: clinical testing. Allele origin: germline.
Comment: The c.1237+1G>A variant in RARS2 is a canonical splice donor site variant predicted to affect pre-mRNA splicing, which may result in an abnormal transcript and altered protein product. This variant is expected to result in nonsense mediated decay, truncation, or a dysfunctional protein product. This variant is rare in the general population with a frequency below the threshold expected for the associated phenotype(s). Given the available evidence, this variant is classified as Likely Pathogenic.

Institute of Human Genetics Munich, TUM University Hospital
Classification: Pathogenic for Pontocerebellar hypoplasia type 6. Last evaluated: 2017-12-07. Review status: criteria provided, single submitter. Criteria: Classification criteria August 2017. Collection method: clinical testing. Allele origin: paternal. Inheritance: Autosomal recessive inheritance. Affected: yes. Observed: 1 compound heterozygote.

NM_020320.5(RARS2):c.1237+1G>A

Gene: RARS2 (arginyl-tRNA synthetase 2, mitochondrial; minus strand). Cytogenetic location: 6q15.
Variant type: single nucleotide variant.
Coding change: c.1237+1G>A on transcript NM_020320.5 (MANE Select); the canonical splice donor site of the intron after coding-DNA position 1237, G replaced by A.
Molecular consequence: splice donor variant.
Genome position (GRCh38, 1-based): chr6:87,519,582, C>T on the plus strand (G>A on the coding strand, the complement: RARS2 is on the minus strand). VCF-style: chr6-87519582-C-T. GRCh37 (hg19) VCF-style: chr6-88229300-C-T.
Other names: c.1237+1G>A (NM_001350505.2, NM_020320.4); c.712+1G>A (NM_001350509.2, NM_001318785.2, NM_001350506.2 and 4 more transcripts).
Identifiers: ClinVar variation 488586 (VCV000488586.5), dbSNP rs759922477, ClinGen allele CA364923647.